The following is an entry in ClinVar:

ClinVar aggregate classification (germline): Likely pathogenic. Review status: criteria provided, multiple submitters, no conflicts (2 of 4 stars). 4 submissions from 4 submitters: Likely pathogenic (4). Last evaluated 2025-08-07.

Conditions:
Joubert syndrome. Also called: JOUBERT-BOLTSHAUSER SYNDROME; Familial aplasia of the vermis. Identifiers: Orphanet 475, MedGen C5979921, MONDO:0018772.
CPLANE1-related disorders.
Joubert syndrome 17 (JBTS17). Identifiers: Orphanet 475, MedGen C3553264, MONDO:0013824, OMIM 614615.
Orofaciodigital syndrome type 6 (OFD6). Also called: OROFACIODIGITAL SYNDROME VI; OFDS VI; POLYDACTYLY, CLEFT LIP/PALATE OR LINGUAL LUMP, AND PSYCHOMOTOR RETARDATION; VARADI SYNDROME; VARADI-PAPP SYNDROME; Oral-facial-digital syndrome type 6. Identifiers: Orphanet 2754, MedGen C2745997, MONDO:0010176, OMIM 277170.

Allele frequency attached by ClinVar (database versions not stated): ExAC 0.00009.
gnomAD v4.1: 25 of 1,519,338 alleles (0.0016%); highest among the groups gnomAD compares: South Asian, 0.01%; no homozygotes.

Submissions (4):

First Genomix Gene Laboratory, Genetic Diagnostics Department
Classification: Likely pathogenic for Joubert syndrome 17; Orofaciodigital syndrome type 6. Last evaluated: 2025-08-07. Review status: criteria provided, single submitter. Criteria: ACMG Guidelines, 2015. Collection method: clinical testing. Allele origin: germline. Inheritance: Autosomal recessive inheritance. Affected: no. Observed: 1 variant allele.

Fulgent Genetics
Classification: Likely pathogenic for Orofaciodigital syndrome type 6; Joubert syndrome 17. Last evaluated: 2024-05-31. Review status: criteria provided, single submitter. Criteria: ACMG Guidelines, 2015. Collection method: clinical testing. Allele origin: germline.

Blueprint Genetics
Classification: Likely pathogenic for CPLANE1-related disorders. Last evaluated: 2023-06-08. Review status: criteria provided, single submitter. Criteria: ACMG Guidelines, 2015. Collection method: clinical testing. Allele origin: germline. Affected: yes. Observed: 1 variant allele.

Laboratory for Molecular Medicine, Mass General Brigham Personalized Medicine
Classification: Likely pathogenic for Joubert syndrome. Last evaluated: 2018-12-04. Review status: criteria provided, single submitter. Criteria: LMM Criteria. Collection method: clinical testing. Allele origin: germline. Inheritance: Autosomal recessive inheritance. Observed: 1 variant allele.
Comment: The p.Gln760X variant in C5orf42 (also known as CPLANE1) has not been reported i n individuals with Joubert syndrome but has been identified in 1/52046 of Europe an chromosomes by gnomAD. This nonsense varia nt leads to a premature termination codon at position 760, which is predicted to lead to a truncated or absent protein. Loss of function of the C5orf42 gene is an established disease mechanism in Joubert syndrome. In summary, although addit ional studies are required to fully establish its clinical significance, this va riant meets criteria to be classified as likely pathogenic for autosomal recessi ve Joubert syndrome. ACMG/AMP Criteria applied: PVS1_Strong, PM2.

NM_001384732.1(CPLANE1):c.2278C>T (p.Gln760Ter)

Gene: CPLANE1 (ciliogenesis and planar polarity effector complex subunit 1; minus strand). Cytogenetic location: 5p13.2.
Variant type: single nucleotide variant.
Coding change: c.2278C>T on transcript NM_001384732.1 (MANE Select); coding-DNA position 2278, C replaced by T.
Protein change: p.Gln760Ter; replaces glutamine 760 with a stop codon.
Molecular consequence: nonsense.
Genome position (GRCh38, 1-based): chr5:37,226,317, G>A on the plus strand (C>T on the coding strand, the complement: CPLANE1 is on the minus strand). VCF-style: chr5-37226317-G-A. GRCh37 (hg19) VCF-style: chr5-37226419-G-A.
Other names: c.2278C>T, p.Gln760Ter (NM_023073.4); short protein forms Q760*.
Identifiers: ClinVar variation 667365 (VCV000667365.7), dbSNP rs762334514, ClinGen allele CA3239051.